The following is an entry in ClinVar:

NC_000008.10:g.(?_30982028)_(30982526_?)del

Gene: WRN (WRN RecQ like helicase; plus strand). Cytogenetic location: 8p12.
Variant type: Deletion.
Identifiers: ClinVar variation 1451023 (VCV001451023.6).

ClinVar aggregate classification (germline): Uncertain significance (1 of 4 stars; one submission).

Conditions:
Werner syndrome (WRN). Identifiers: Orphanet 902, MedGen C0043119, MONDO:0010196, OMIM 277700.

Submission:

Labcorp Genetics (formerly Invitae), Labcorp
Classification: Uncertain significance for Werner syndrome. Last evaluated: 2023-02-04. Review status: criteria provided, single submitter. Criteria: Invitae Variant Classification Sherloc (09022015). Collection method: clinical testing. Allele origin: germline.
Comment: This variant is a gross deletion of the genomic region encompassing exon(s) 22-23 of the WRN gene. This variant would be expected to be in-frame, preserving the integrity of the reading frame. This variant has not been reported in the literature in individuals affected with WRN-related conditions. Experimental studies and prediction algorithms are not available or were not evaluated, and the functional significance of this variant is currently unknown. In summary, the available evidence is currently insufficient to determine the role of this variant in disease. Therefore, it has been classified as a Variant of Uncertain Significance.